The following is an entry in ClinVar:

ClinVar aggregate classification (germline): Uncertain significance. Review status: criteria provided, multiple submitters, no conflicts (2 of 4 stars). 2 submissions from 2 submitters: Uncertain significance (2). Last evaluated 2025-11-20.

gnomAD v4.1: 31 of 1,613,510 alleles (0.0019%); highest among the groups gnomAD compares: Non-Finnish European, 0.0024%; no homozygotes.

Submissions (2):

Ambry Genetics
Classification: Uncertain significance. Last evaluated: 2025-11-20. Review status: criteria provided, single submitter. Criteria: Ambry Variant Classification Scheme 2023. Collection method: clinical testing. Allele origin: germline.

Labcorp Genetics (formerly Invitae), Labcorp
Classification: Uncertain significance. Last evaluated: 2025-09-15. Review status: criteria provided, single submitter. Criteria: Invitae Variant Classification Sherloc (09022015). Collection method: clinical testing. Allele origin: germline.
Comment: This sequence change replaces aspartic acid, which is acidic and polar, with asparagine, which is neutral and polar, at codon 337 of the KIF1BP protein (p.Asp337Asn). This variant is present in population databases (rs760482247, gnomAD 0.005%). This variant has not been reported in the literature in individuals affected with KIF1BP-related conditions. An algorithm developed to predict the effect of missense changes on protein structure and function (PolyPhen-2) suggests that this variant is likely to be disruptive. In summary, the available evidence is currently insufficient to determine the role of this variant in disease. Therefore, it has been classified as a Variant of Uncertain Significance.

NM_015634.4(KIFBP):c.1009G>A (p.Asp337Asn)

Gene: KIFBP (kinesin family binding protein; plus strand). Cytogenetic location: 10q22.1.
Variant type: single nucleotide variant.
Coding change: c.1009G>A on transcript NM_015634.4 (MANE Select); coding-DNA position 1009, G replaced by A.
Protein change: p.Asp337Asn; replaces aspartic acid 337 with asparagine.
Molecular consequence: missense variant.
Genome position (GRCh38, 1-based): chr10:69,015,559, G>A. VCF-style: chr10-69015559-G-A. GRCh37 (hg19) VCF-style: chr10-70775315-G-A.
Other names: short protein forms D337N.
Identifiers: ClinVar variation 4544022 (VCV004544022.2).